The following is an entry in ClinVar:

ClinVar aggregate classification (germline): Likely benign. Review status: reviewed by expert panel (3 of 4 stars). 29 submissions from 29 submitters: Likely benign (1). 28 of the submissions do not count toward it. Last evaluated 2025-06-11.

Conditions:
ATM-related cancer predisposition. Also called: ATM-related cancer susceptibility. Identifiers: MedGen CN377759, MONDO:0700270.
ATM-related disorder. Also called: ATM-related disorders; ATM-related condition.
Breast and/or ovarian cancer. Identifiers: MedGen CN221562.
Hereditary cancer-predisposing syndrome. Also called: Neoplastic Syndromes, Hereditary; Hereditary Cancer Syndrome; Tumor predisposition; Hereditary neoplastic syndrome. Identifiers: Orphanet 140162, MedGen C0027672, MeSH D009386, MONDO:0015356.
Familial cancer of breast. Also called: BREAST CANCER, FAMILIAL; hereditary breast carcinoma; Hereditary breast cancer. Identifiers: Orphanet 227535, MedGen C0346153, MONDO:0016419, OMIM 114480. Disease mechanism: loss of function.
Ataxia-telangiectasia syndrome (AT). Also called: Ataxia-telangiectasia, complementation group D; AT, COMPLEMENTATION GROUP C; Ataxia-telangiectasia; ATAXIA-TELANGIECTASIA, COMPLEMENTATION GROUP A; ATAXIA-TELANGIECTASIA, FRESNO VARIANT; Ataxia-telangiectasia, complementation group E. Identifiers: Orphanet 100, MedGen C0004135, MONDO:0008840, OMIM 208900.
Hereditary breast ovarian cancer syndrome. Also called: BRCA1- and BRCA2-Associated Hereditary Breast and Ovarian Cancer; Hereditary breast and ovarian cancer syndrome; Hereditary breast and ovarian cancer syndrome (HBOC); Hereditary breast and/or ovarian cancer syndrome; Hereditary breast and ovarian cancer; Breast and ovarian cancer. Identifiers: Orphanet 145, MedGen C0677776, MeSH D061325, MONDO:0003582. Disease mechanism: loss of function.

Allele frequency attached by ClinVar (database versions not stated): ExAC 0.00008; gnomAD exomes 0.00026 and 0.00013; ESP Exome Variant Server 0.00015; gnomAD 0.00019 and 0.00017; TOPMed 0.00012.
gnomAD v4.1: 410 of 1,613,470 alleles (0.025%); highest among the groups gnomAD compares: Non-Finnish European, 0.032%; no homozygotes.

Submissions 1 to 12 of 29:

ClinGen Hereditary Breast, Ovarian and Pancreatic Cancer Variant Curation Expert Panel, ClinGen
Classification: Likely benign for ATM-related cancer predisposition. Last evaluated: 2025-06-11. Review status: reviewed by expert panel. Criteria: ClinGen HBOP ACMG Specifications ATM V1.3.0. Collection method: curation. Allele origin: germline. Inheritance: Autosomal dominant inheritance.
Comment: The c.5821G>C (p.Val1941Leu) variant in ATM is a missense variant predicted to cause substitution of valine by leucine at amino acid 1941 (p.Val1941Leu). This variant has been observed in the homozygous state or phase unknown with a pathogenic variant in multiple individuals without Ataxia-Telangiectasia (Invitae internal data). The highest population minor allele frequency in gnomAD v4.1.0 is 0.0003843 the Remaining population (PM2_Supporting, BS1, and BA1 are not met). ATM kinase activity assay in ATM-null lymphoblastoid cell line showed reduced kinase activity of ATM and its downstream targets indicating that this variant may impact protein function (PMID: 19431188). The computational predictor REVEL gives a score of 0.548, which is neither above nor below the thresholds predicting a damaging or benign impact on ATM function. Although there are both pathogenic and benign types of evidence for this variant, the pathogenic evidence is not considered inconsistent with the final classification. In summary, this variant meets criteria to be classified as likely benign for autosomal dominant ATM-related cancer predisposition and autosomal recessive Ataxia-Telangiectasia based on the ACMG/AMP criteria applied, as specified by the HBOP VCEP. (BP2_Strong, PS3_Supporting)

PreventionGenetics, part of Exact Sciences
Classification: Likely benign for ATM-related condition. Last evaluated: 2026-08-31. Review status: criteria provided, single submitter. Criteria: ACMG Guidelines, 2015. Collection method: clinical testing. Allele origin: germline. Not counted in ClinVar's aggregate classification.
Comment: This variant is classified as likely benign based on ACMG/AMP sequence variant interpretation guidelines (Richards et al. 2015 PMID: 25741868, with internal and published modifications).

Ambry Genetics
Classification: Likely benign for Hereditary cancer-predisposing syndrome. Last evaluated: 2026-07-30. Review status: criteria provided, single submitter. Criteria: Ambry Variant Classification Scheme 2023. Collection method: clinical testing. Allele origin: germline. Not counted in ClinVar's aggregate classification.

German Consortium for Hereditary Breast and Ovarian Cancer, University Hospital Cologne
Classification: Likely benign for Hereditary breast ovarian cancer syndrome. Last evaluated: 2026-04-14. Review status: criteria provided, single submitter. Criteria: ClinGen ATM V1.5.0. Collection method: curation. Allele origin: germline. Not counted in ClinVar's aggregate classification.
Comment: This classification follows the ClinGen ACMG ATM v1.5.0 classification scheme; We chose these criteria: PS3 (supporting pathogenic): ATM kinase activity assay in ATM-null lymphoblastoid cell line showed reduced kinase activity of ATM and its downstream targets indicating that this variant may impact protein function (PMID: 19431188) ClinGen Hereditary Breast, Ovarian and Pancreatic Cancer Variant Curation Expert Panel Jun 11, 2025, BP2 (strong benign): ClinGen: This variant has been observed in the homozygous state or phase unknown with a pathogenic variant in multiple individuals without Ataxia-Telangiectasia

St. Jude Molecular Pathology, St. Jude Children's Research Hospital
Classification: Uncertain significance for Ataxia-telangiectasia syndrome. Last evaluated: 2026-02-11. Review status: criteria provided, single submitter. Criteria: St. Jude Assertion Criteria 2020. Collection method: clinical testing. Allele origin: germline. Not counted in ClinVar's aggregate classification.
Comment: The ATM c.5821G>C p.(Val1941Leu) missense change has a maximum subpopulation frequency of 0.025% in gnomAD v2.1.1. The in silico tool REVEL is inconclusive about a pathogenic or benign effect of this variant on protein function. A functional study has shown reduced ATM protein level and kinase activity (PMID: 19431188). This variant has been identified in individuals with breast cancer (PMID: 16832357, 25186627, 28779002, 29522266, 35980532), an individual undergoing clinical genetic testing for Lynch syndrome (PMID: 25980754), and an individual with multiple primary tumors or with a single primary tumor and a first-degree relative with multiple primary tumors (PMID: 29909963). In addition, in case-control studies the variant was present at similar or low frequencies in breast cancer patients compared to control subjects (PMID: 19781682, 28779002). This variant is present 10x in a database of women older than 70 years of age who have never had cancer (FLOSSIES database). To our knowledge, this variant has not been reported in individuals with ataxia telangiectasia. In summary, the evidence currently available is insufficient to determine the clinical significance of this variant. It has therefore been classified as of uncertain significance.

Labcorp Genetics (formerly Invitae), Labcorp
Classification: Likely benign for Ataxia-telangiectasia syndrome. Last evaluated: 2026-02-03. Review status: criteria provided, single submitter. Criteria: Invitae Variant Classification Sherloc (09022015). Collection method: clinical testing. Allele origin: germline. Not counted in ClinVar's aggregate classification.

GeneDx
Classification: Uncertain significance. Last evaluated: 2026-01-07. Review status: criteria provided, single submitter. Criteria: GeneDx Variant Classification Process June 2021. Collection method: clinical testing. Allele origin: germline. Affected: yes. Not counted in ClinVar's aggregate classification.
Comment: In silico analysis suggests that this missense variant does not alter protein structure/function; This variant is associated with the following publications: (PMID: 16014569, 19781682, 21787400, 16832357, 21933854, 25503501, 25980754, 26580448, 25925381, 28971906, 29909963, 29522266, 25186627, 28779002, 28652578, 31843900, 9764584, 33471991, 33436325, 35980532, 35534704, 34262154, 34326862, 36315919, 41325557, 19431188)

Center for Genomic Medicine, Rigshospitalet, Copenhagen University Hospital
Classification: Uncertain significance. Last evaluated: 2025-12-29. Review status: criteria provided, single submitter. Criteria: ACMG Guidelines, 2015. Collection method: clinical testing. Allele origin: germline. Not counted in ClinVar's aggregate classification.

Quest Diagnostics Nichols Institute San Juan Capistrano
Classification: Uncertain significance. Last evaluated: 2025-10-21. Review status: criteria provided, single submitter. Criteria: Quest Diagnostics criteria. Collection method: clinical testing. Allele origin: unknown. Not counted in ClinVar's aggregate classification.

Mayo Clinic Laboratories, Mayo Clinic
Classification: Uncertain significance. Last evaluated: 2025-07-30. Review status: criteria provided, single submitter. Criteria: ACMG Guidelines, 2015. Collection method: clinical testing. Allele origin: germline. Observed: 3 variant alleles. Not counted in ClinVar's aggregate classification.
Comment: PS3_supporting

Mendelics
Classification: Likely benign for Ataxia-telangiectasia syndrome. Last evaluated: 2025-06-23. Review status: criteria provided, single submitter. Criteria: ACMG Guidelines, 2015. Collection method: clinical testing. Allele origin: unknown. Not counted in ClinVar's aggregate classification.
Comment: This variant is considered likely benign or benign based on one or more of the following: it is predicted to be benign by multiple in silico algorithms, and/or has population frequency not consistent with disease, and/or has normal protein function, and/or has lack of segregation with disease, and/or has been detected in co-occurrence with known pathogenic variant, and/or has lack of disease association in case-control studies, and/or is located in a region inconsistent with a known cause of pathogenicity.

Molecular Pathology, Peter Maccallum Cancer Centre
Classification: Uncertain significance for Ataxia-telangiectasia syndrome. Last evaluated: 2025-02-14. Review status: criteria provided, single submitter. Criteria: ACMG Guidelines, 2015. Collection method: clinical testing. Allele origin: germline. Inheritance: Autosomal recessive inheritance. Not counted in ClinVar's aggregate classification.

NM_000051.4(ATM):c.5821G>C (p.Val1941Leu)

Genes: ATM (ATM serine/threonine kinase; plus strand), C11orf65 (chromosome 11 open reading frame 65; minus strand). Cytogenetic location: 11q22.3.
Variant type: single nucleotide variant.
Coding change: c.5821G>C on transcript NM_000051.4 (MANE Select); coding-DNA position 5821, G replaced by C.
Protein change: p.Val1941Leu; replaces valine 1941 with leucine.
Molecular consequence: missense variant. On other transcripts: intron variant (2).
Genome position (GRCh38, 1-based): chr11:108,310,218, G>C. VCF-style: chr11-108310218-G-C. GRCh37 (hg19) VCF-style: chr11-108180945-G-C.
Other names: p.V1941L:GTT>CTT; NM_000051.4(ATM):c.5821G>C; c.5821G>C, p.Val1941Leu (NM_001351834.2); c.641-1147C>G (NM_001330368.2); c.*39-1147C>G (NM_001351110.2); short protein forms V1941L.
Identifiers: ClinVar variation 127412 (VCV000127412.129), dbSNP rs147187700, ClinGen allele CA286904.